The following is an entry in ClinVar:

ClinVar aggregate classification (germline): Uncertain significance (1 of 4 stars; one submission).

Conditions:
Primary ciliary dyskinesia 28. Also called: CILIARY DYSKINESIA, PRIMARY, 28, WITH OR WITHOUT SITUS INVERSUS. Identifiers: Orphanet 244, MedGen C3809706, MONDO:0014216, OMIM 615505.

Allele frequency attached by ClinVar (database versions not stated): gnomAD exomes below 0.00001; gnomAD 0.00001; TOPMed 0.00002.
gnomAD v4.1: 6 of 1,608,844 alleles (0.00037%); highest among the groups gnomAD compares: Non-Finnish European, 0.00051%; no homozygotes.

Submission:

Labcorp Genetics (formerly Invitae), Labcorp
Classification: Uncertain significance for Primary ciliary dyskinesia 28. Last evaluated: 2017-06-08. Review status: criteria provided, single submitter. Criteria: Invitae Variant Classification Sherloc (09022015). Collection method: clinical testing. Allele origin: germline.
Comment: In summary, this variant has uncertain impact on SPAG1 function. The available evidence is currently insufficient to determine its role in disease. Therefore, it has been classified as a Variant of Uncertain Significance. Algorithms developed to predict the effect of missense changes on protein structure and function do not agree on the potential impact of this missense change (SIFT: "Deleterious"; PolyPhen-2: "Possibly Damaging"; Align-GVGD: "Class C0"). This variant has not been reported in the literature in individuals with a SPAG1-related disease. This variant is not present in population databases (ExAC no frequency). This sequence change replaces serine with asparagine at codon 560 of the SPAG1 protein (p.Ser560Asn). The serine residue is highly conserved and there is a small physicochemical difference between serine and asparagine.

NM_003114.5(SPAG1):c.1679G>A (p.Ser560Asn)

Gene: SPAG1 (sperm associated antigen 1; plus strand). Cytogenetic location: 8q22.2.
Variant type: single nucleotide variant.
Coding change: c.1679G>A on transcript NM_003114.5 (MANE Select); coding-DNA position 1679, G replaced by A.
Protein change: p.Ser560Asn; replaces serine 560 with asparagine.
Molecular consequence: missense variant.
Genome position (GRCh38, 1-based): chr8:100,220,422, G>A. VCF-style: chr8-100220422-G-A. GRCh37 (hg19) VCF-style: chr8-101232650-G-A.
Other names: c.1679G>A, p.Ser560Asn (NM_001374321.1, NM_172218.3); short protein forms S560N.
Identifiers: ClinVar variation 474655 (VCV000474655.8), dbSNP rs772718898, ClinGen allele CA182386268.